The following is an entry in ClinVar:

ClinVar aggregate classification (germline): Uncertain significance (1 of 4 stars; one submission).

Submission:

Ambry Genetics
Classification: Uncertain significance. Last evaluated: 2025-06-02. Review status: criteria provided, single submitter. Criteria: Ambry Variant Classification Scheme 2023. Collection method: clinical testing. Allele origin: germline.
Comment: The p.G1520E variant (also known as c.4559G>A), located in coding exon 19 of the WNK2 gene, results from a G to A substitution at nucleotide position 4559. The glycine at codon 1520 is replaced by glutamic acid, an amino acid with similar properties. This amino acid position is conserved. In addition, this alteration is predicted to be tolerated by in silico analysis. Based on the available evidence, the clinical significance of this variant remains unclear.

NM_006648.4(WNK2):c.4559G>A (p.Gly1520Glu)

Gene: WNK2 (WNK lysine deficient protein kinase 2; plus strand). Cytogenetic location: 9q22.31.
Variant type: single nucleotide variant.
Coding change: c.4559G>A on transcript NM_006648.4 (MANE Select); coding-DNA position 4559, G replaced by A.
Protein change: p.Gly1520Glu; replaces glycine 1520 with glutamic acid.
Molecular consequence: missense variant.
Genome position (GRCh38, 1-based): chr9:93,289,313, G>A. VCF-style: chr9-93289313-G-A. GRCh37 (hg19) VCF-style: chr9-96051595-G-A.
Other names: c.4670G>A, p.Gly1557Glu (NM_001282394.3); short protein forms G1520E, G1557E.
Identifiers: ClinVar variation 3982159 (VCV003982159.1).